The following is an entry in ClinVar:

ClinVar aggregate classification (germline): Uncertain significance. Review status: criteria provided, multiple submitters, no conflicts (2 of 4 stars). 4 submissions from 4 submitters: Uncertain significance (3). 1 of the submissions does not count toward it. Last evaluated 2025-01-22.

Conditions:
Medulloblastoma (MDB). Also called: MEDULLOBLASTOMA PREDISPOSITION SYNDROME; Medulloblastoma, somatic. Identifiers: Orphanet 616, MedGen C0025149, MeSH D008527, MONDO:0007959, OMIM 155255, HP:0002885.
Familial dysautonomia. Also called: FD; HSAN III. Identifiers: Orphanet 1764, MedGen C0013364, MONDO:0009131, OMIM 223900. Disease mechanism: loss of function.

Allele frequency attached by ClinVar (database versions not stated): ExAC 0.00001; gnomAD exomes 0.00002; TOPMed 0.00006; gnomAD 0.00007; ESP Exome Variant Server 0.00015.

Submissions (4):

Ambry Genetics
Classification: Uncertain significance. Last evaluated: 2025-01-22. Review status: criteria provided, single submitter. Criteria: Ambry Variant Classification Scheme 2023. Collection method: clinical testing. Allele origin: germline.

St. Jude Molecular Pathology, St. Jude Children's Research Hospital
Classification: Uncertain significance for Medulloblastoma. Last evaluated: 2023-05-16. Review status: criteria provided, single submitter. Criteria: St. Jude Assertion Criteria 2020. Collection method: clinical testing. Allele origin: germline.
Comment: The ELP1 c.2578G>A (p.Glu860Lys) missense change has a maximum subpopulation frequency of 0.0044% in gnomAD v2.1.1. The in silico tool REVEL predicts a benign effect on protein function, but to our knowledge this prediction has not been confirmed by functional studies. To our knowledge, this variant has not been reported in individuals with a personal or family history of medulloblastoma. In summary, the evidence currently available is insufficient to determine the clinical significance of this variant. It has therefore been classified as of uncertain significance.

Labcorp Genetics (formerly Invitae), Labcorp
Classification: Uncertain significance. Last evaluated: 2022-02-18. Review status: criteria provided, single submitter. Criteria: Invitae Variant Classification Sherloc (09022015). Collection method: clinical testing. Allele origin: germline.
Comment: This sequence change replaces glutamic acid, which is acidic and polar, with lysine, which is basic and polar, at codon 860 of the ELP1 protein (p.Glu860Lys). This variant is present in population databases (rs137983175, gnomAD 0.004%). This variant has not been reported in the literature in individuals affected with ELP1-related conditions. ClinVar contains an entry for this variant (Variation ID: 989529). Algorithms developed to predict the effect of missense changes on protein structure and function output the following: SIFT: "Tolerated"; PolyPhen-2: "Benign"; Align-GVGD: "Class C0". The lysine amino acid residue is found in multiple mammalian species, which suggests that this missense change does not adversely affect protein function. In summary, the available evidence is currently insufficient to determine the role of this variant in disease. Therefore, it has been classified as a Variant of Uncertain Significance.

Natera, Inc.
Classification: Uncertain significance for Familial dysautonomia. Last evaluated: 2020-08-24. Review status: no assertion criteria provided. Collection method: clinical testing. Allele origin: germline. Not counted in ClinVar's aggregate classification.

NM_003640.5(ELP1):c.2578G>A (p.Glu860Lys)

Gene: ELP1 (elongator acetyltransferase complex subunit 1; minus strand). Cytogenetic location: 9q31.3.
Variant type: single nucleotide variant.
Coding change: c.2578G>A on transcript NM_003640.5 (MANE Select); coding-DNA position 2578, G replaced by A.
Protein change: p.Glu860Lys; replaces glutamic acid 860 with lysine.
Molecular consequence: missense variant.
Genome position (GRCh38, 1-based): chr9:108,896,962, C>T on the plus strand (G>A on the coding strand, the complement: ELP1 is on the minus strand). VCF-style: chr9-108896962-C-T. GRCh37 (hg19) VCF-style: chr9-111659242-C-T.
Other names: c.2236G>A, p.Glu746Lys (NM_001318360.2); c.1531G>A, p.Glu511Lys (NM_001330749.2); c.2578G>A (NM_003640.3); short protein forms E511K, E746K, E860K.
Identifiers: ClinVar variation 989529 (VCV000989529.6), dbSNP rs137983175, ClinGen allele CA5174600.